The following is an entry in ClinVar:

NM_004183.4(BEST1):c.1498A>G (p.Lys500Glu)

Gene: BEST1 (bestrophin 1; plus strand). Cytogenetic location: 11q12.3.
Variant type: single nucleotide variant.
Coding change: c.1498A>G on transcript NM_004183.4 (MANE Select); coding-DNA position 1498, A replaced by G.
Protein change: p.Lys500Glu; replaces lysine 500 with glutamic acid.
Molecular consequence: missense variant. On other transcripts: non-coding transcript variant (1).
Genome position (GRCh38, 1-based): chr11:61,962,652, A>G. VCF-style: chr11-61962652-A-G. GRCh37 (hg19) VCF-style: chr11-61730124-A-G.
Other names: c.1318A>G, p.Lys440Glu (NM_001139443.3, NM_001300787.2); c.1237A>G, p.Lys413Glu (NM_001300786.2); c.1180A>G, p.Lys394Glu (NM_001363591.3); c.*393A>G (NM_001363592.2); c.526A>G, p.Lys176Glu (NM_001363593.3); short protein forms K440E, K176E, K413E, K500E, K394E.
Identifiers: ClinVar variation 955214 (VCV000955214.9), dbSNP rs368374819, ClinGen allele CA222942284.

ClinVar aggregate classification (germline): Uncertain significance (1 of 4 stars; one submission).

Allele frequency attached by ClinVar (database versions not stated): gnomAD exomes below 0.00001; gnomAD 0.00001; TOPMed 0.00001; ESP Exome Variant Server 0.00008.
gnomAD v4.1: 7 of 1,614,090 alleles (0.00043%); highest among the groups gnomAD compares: African/African-American, 0.0013%; no homozygotes.

Submission:

Labcorp Genetics (formerly Invitae), Labcorp
Classification: Uncertain significance. Last evaluated: 2025-03-17. Review status: criteria provided, single submitter. Criteria: Invitae Variant Classification Sherloc (09022015). Collection method: clinical testing. Allele origin: germline.
Comment: This sequence change replaces lysine, which is basic and polar, with glutamic acid, which is acidic and polar, at codon 500 of the BEST1 protein (p.Lys500Glu). This variant is present in population databases (rs368374819, gnomAD 0.0009%). This variant has not been reported in the literature in individuals affected with BEST1-related conditions. ClinVar contains an entry for this variant (Variation ID: 955214). Invitae Evidence Modeling of protein sequence and biophysical properties (such as structural, functional, and spatial information, amino acid conservation, physicochemical variation, residue mobility, and thermodynamic stability) has been performed for this missense variant. However, the output from this modeling did not meet the statistical confidence thresholds required to predict the impact of this variant on BEST1 protein function. In summary, the available evidence is currently insufficient to determine the role of this variant in disease. Therefore, it has been classified as a Variant of Uncertain Significance.